The following is an entry in ClinVar:

NM_000197.2(HSD17B3):c.865G>A (p.Gly289Ser)

Genes: HSD17B3 (hydroxysteroid 17-beta dehydrogenase 3; minus strand), SLC35D2-HSD17B3 (SLC35D2-HSD17B3 readthrough; minus strand). Cytogenetic location: 9q22.32.
Variant type: single nucleotide variant.
Coding change: c.865G>A on transcript NM_000197.2 (MANE Select); coding-DNA position 865, G replaced by A.
Protein change: p.Gly289Ser; replaces glycine 289 with serine.
Molecular consequence: missense variant.
Genome position (GRCh38, 1-based): chr9:96,235,528, C>T on the plus strand (G>A on the coding strand, the complement: HSD17B3 is on the minus strand). VCF-style: chr9-96235528-C-T. GRCh37 (hg19) VCF-style: chr9-98997810-C-T.
Other names: short protein forms G289S.
Identifiers: ClinVar variation 255511 (VCV000255511.19), dbSNP rs2066479, ClinGen allele CA5140237.

ClinVar aggregate classification (germline): Benign/Likely benign. Review status: criteria provided, multiple submitters, no conflicts (2 of 4 stars). 7 submissions from 7 submitters: Benign (3); Likely benign (2). 2 of the submissions do not count toward it. Last evaluated 2026-02-02.

Conditions:
Testosterone 17-beta-dehydrogenase deficiency. Also called: 17-beta hydroxysteroid dehydrogenase 3 deficiency; 17 alpha ketosteroid reductase deficiency of testis; 17 alpha KSR deficiency; Neutral 17 beta hydroxysteroid oxidoreductase deficiency; Male pseudoherma-phroditism with gynecomastia; 46,XY disorder of sex development due to 17-beta-hydroxysteroid dehydrogenase 3 deficiency. Identifiers: Orphanet 752, MedGen C0268296, MONDO:0009916, OMIM 264300. Disease mechanism: loss of function.

Allele frequency attached by ClinVar (database versions not stated): gnomAD exomes 0.05949 and 0.07239; ESP Exome Variant Server 0.06951; ExAC 0.07306; gnomAD 0.07555 and 0.07731; TOPMed 0.08152; 1000 Genomes Project 30x 0.11555; 1000 Genomes Project 0.11901.
gnomAD v4.1: 99,701 of 1,613,652 alleles (6.2%); highest among the groups gnomAD compares: East Asian, 24%; 4,380 homozygotes.

Submissions (7):

Labcorp Genetics (formerly Invitae), Labcorp
Classification: Benign. Last evaluated: 2026-02-02. Review status: criteria provided, single submitter. Criteria: Invitae Variant Classification Sherloc (09022015). Collection method: clinical testing. Allele origin: germline.

GeneDx
Classification: Benign. Last evaluated: 2019-03-04. Review status: criteria provided, single submitter. Criteria: GeneDx Variant Classification Process June 2021. Collection method: clinical testing. Allele origin: germline. Affected: yes.
Comment: This variant is associated with the following publications: (PMID: 29998616, 28859874, 19214745, 9709959, 25605705, 12210481, 23139742, 20059664, 23295294)

Illumina Laboratory Services, Illumina
Classification: Benign for Testosterone 17-beta-dehydrogenase deficiency. Last evaluated: 2018-03-06. Review status: criteria provided, single submitter. Criteria: ICSL Variant Classification Criteria 13 December 2019. Collection method: clinical testing. Allele origin: germline.
Comment: This variant was observed in the ICSL laboratory as part of a predisposition screen in an ostensibly healthy population. It had not been previously curated by ICSL or reported in the Human Gene Mutation Database (HGMD: prior to June 1st, 2018), and was therefore a candidate for classification through an automated scoring system. Utilizing variant allele frequency, disease prevalence and penetrance estimates, and inheritance mode, an automated score was calculated to assess if this variant is too frequent to cause the disease. Based on the score and internal cut-off values, a variant classified as benign is not then subjected to further curation. The score for this variant resulted in a classification of benign for this disease.

Breakthrough Genomics
Classification: Likely benign. Review status: criteria provided, single submitter. Criteria: ACMG Guidelines, 2015. Collection method: not provided. Allele origin: germline. Inheritance: Autosomal recessive inheritance. Affected: yes.

PreventionGenetics, part of Exact Sciences
Classification: Likely benign. Review status: criteria provided, single submitter. Criteria: ACMG Guidelines, 2015. Collection method: clinical testing. Allele origin: germline.

Clinical Genetics DNA and cytogenetics Diagnostics Lab, Erasmus MC, Erasmus Medical Center
Classification: Benign. Review status: no assertion criteria provided. Collection method: clinical testing. Allele origin: germline. Affected: yes. Study: VKGL Data-share Consensus. Not counted in ClinVar's aggregate classification.

Joint Genome Diagnostic Labs from Nijmegen and Maastricht, Radboudumc and MUMC+
Classification: Benign. Review status: no assertion criteria provided. Collection method: clinical testing. Allele origin: germline. Affected: yes. Study: VKGL Data-share Consensus. Not counted in ClinVar's aggregate classification.